The following is an entry in ClinVar:

ClinVar aggregate classification (germline): Uncertain significance. Review status: criteria provided, multiple submitters, no conflicts (2 of 4 stars). 2 submissions from 2 submitters: Uncertain significance (2). Last evaluated 2026-08-26.

Conditions:
Saldino-Mainzer syndrome (SRTD9). Also called: SHORT-RIB THORACIC DYSPLASIA 9 WITHOUT POLYDACTYLY; short-rib thoracic dysplasia 9 with or without polydactyly; CONORENAL SYNDROME; Renal dysplasia, retinal pigmentary dystrophy, cerebellar ataxia and skeletal dysplasia. Identifiers: Orphanet 140969, MedGen C1849437, MONDO:0009964, OMIM 266920.
IFT140-related disorder. Also called: IFT140-related condition.

Submissions (2):

PreventionGenetics, part of Exact Sciences
Classification: Uncertain significance for IFT140-related condition. Last evaluated: 2026-08-26. Review status: criteria provided, single submitter. Criteria: ACMG Guidelines, 2015. Collection method: clinical testing. Allele origin: germline.
Comment: The IFT140 c.624T>A variant is predicted to result in the amino acid substitution p.Ser208Arg. To our knowledge, this variant has not been reported in the literature or in a large population database (gnomAD), indicating this variant is rare. At this time, the clinical significance of this variant is uncertain due to the absence of conclusive functional and genetic evidence.

Labcorp Genetics (formerly Invitae), Labcorp
Classification: Uncertain significance for Saldino-Mainzer syndrome. Last evaluated: 2022-10-05. Review status: criteria provided, single submitter. Criteria: Invitae Variant Classification Sherloc (09022015). Collection method: clinical testing. Allele origin: germline.
Comment: This sequence change replaces serine, which is neutral and polar, with arginine, which is basic and polar, at codon 208 of the IFT140 protein (p.Ser208Arg). This variant is not present in population databases (gnomAD no frequency). This variant has not been reported in the literature in individuals affected with IFT140-related conditions. ClinVar contains an entry for this variant (Variation ID: 964247). Advanced modeling of protein sequence and biophysical properties (such as structural, functional, and spatial information, amino acid conservation, physicochemical variation, residue mobility, and thermodynamic stability) has been performed at Invitae for this missense variant, however the output from this modeling did not meet the statistical confidence thresholds required to predict the impact of this variant on IFT140 protein function. In summary, the available evidence is currently insufficient to determine the role of this variant in disease. Therefore, it has been classified as a Variant of Uncertain Significance.

NM_014714.4(IFT140):c.624T>A (p.Ser208Arg)

Genes: IFT140 (intraflagellar transport 140; minus strand), LOC105371046 (uncharacterized LOC105371046; plus strand). Cytogenetic location: 16p13.3.
Variant type: single nucleotide variant.
Coding change: c.624T>A on transcript NM_014714.4 (MANE Select); coding-DNA position 624, T replaced by A.
Protein change: p.Ser208Arg; replaces serine 208 with arginine.
Molecular consequence: missense variant.
Genome position (GRCh38, 1-based): chr16:1,592,186, A>T on the plus strand (T>A on the coding strand, the complement: IFT140 is on the minus strand). VCF-style: chr16-1592186-A-T. GRCh37 (hg19) VCF-style: chr16-1642187-A-T.
Other names: short protein forms S208R.
Identifiers: ClinVar variation 964247 (VCV000964247.8), dbSNP rs2035215270, ClinGen allele CA394220140.